The following is an entry in ClinVar:

ClinVar aggregate classification (germline): Uncertain significance. Review status: criteria provided, multiple submitters, no conflicts (2 of 4 stars). 2 submissions from 2 submitters: Uncertain significance (2). Last evaluated 2025-05-26.

Conditions:
Inborn genetic diseases. Identifiers: MedGen C0950123, MeSH D030342.

gnomAD v4.1: 3 of 1,575,108 alleles (0.00019%); highest among the groups gnomAD compares: Non-Finnish European, 0.00026%; no homozygotes.

Submissions (2):

Ambry Genetics
Classification: Uncertain significance for Inborn genetic diseases. Last evaluated: 2025-05-26. Review status: criteria provided, single submitter. Criteria: Ambry Variant Classification Scheme 2023. Collection method: clinical testing. Allele origin: germline.

Labcorp Genetics (formerly Invitae), Labcorp
Classification: Uncertain significance. Last evaluated: 2022-07-02. Review status: criteria provided, single submitter. Criteria: Invitae Variant Classification Sherloc (09022015). Collection method: clinical testing. Allele origin: germline.
Comment: This sequence change replaces serine, which is neutral and polar, with threonine, which is neutral and polar, at codon 44 of the UBA5 protein (p.Ser44Thr). In summary, the available evidence is currently insufficient to determine the role of this variant in disease. Therefore, it has been classified as a Variant of Uncertain Significance. Algorithms developed to predict the effect of missense changes on protein structure and function are either unavailable or do not agree on the potential impact of this missense change (SIFT: "Not Available"; PolyPhen-2: "Benign"; Align-GVGD: "Not Available"). This variant has not been reported in the literature in individuals affected with UBA5-related conditions. This variant is present in population databases (no rsID available, gnomAD 0.007%).

NM_024818.6(UBA5):c.131G>C (p.Ser44Thr)

Genes: NPHP3-ACAD11 (NPHP3-ACAD11 readthrough (NMD candidate); minus strand), UBA5 (ubiquitin like modifier activating enzyme 5; plus strand), LOC129937585 (ATAC-STARR-seq lymphoblastoid active region 20539; plus strand). Cytogenetic location: 3q22.1.
Variant type: single nucleotide variant.
Coding change: c.131G>C on transcript NM_024818.6 (MANE Select); coding-DNA position 131, G replaced by C.
Protein change: p.Ser44Thr; replaces serine 44 with threonine.
Molecular consequence: missense variant. On other transcripts: 5 prime UTR variant (3), intron variant (1).
Genome position (GRCh38, 1-based): chr3:132,660,668, G>C. VCF-style: chr3-132660668-G-C. GRCh37 (hg19) VCF-style: chr3-132379512-G-C.
Other names: c.-388G>C (NM_001320210.2); c.-354G>C (NM_001321238.2); c.-70G>C (NM_001321239.1); c.-7-5155G>C (NM_198329.4); c.131G>C (NM_024818.3); short protein forms S44T.
Identifiers: ClinVar variation 2013138 (VCV002013138.5), dbSNP rs1408298468, ClinGen allele CA354572296.